The following is an entry in ClinVar:

NM_000136.3(FANCC):c.863C>T (p.Pro288Leu)

Genes: AOPEP (aminopeptidase O (putative); plus strand), FANCC (FA complementation group C; minus strand). Cytogenetic location: 9q22.32.
Variant type: single nucleotide variant.
Coding change: c.863C>T on transcript NM_000136.3 (MANE Select); coding-DNA position 863, C replaced by T.
Protein change: p.Pro288Leu; replaces proline 288 with leucine.
Molecular consequence: missense variant.
Genome position (GRCh38, 1-based): chr9:95,126,562, G>A on the plus strand (C>T on the coding strand, the complement: FANCC is on the minus strand). VCF-style: chr9-95126562-G-A. GRCh37 (hg19) VCF-style: chr9-97888844-G-A.
Other names: c.863C>T, p.Pro288Leu (NM_001243743.2, NM_001243744.2); short protein forms P288L.
Identifiers: ClinVar variation 3277632 (VCV003277632.2).

ClinVar aggregate classification (germline): Uncertain significance. Review status: criteria provided, multiple submitters, no conflicts (2 of 4 stars). 2 submissions from 2 submitters: Uncertain significance (2). Last evaluated 2024-04-19.

Conditions:
Hereditary cancer-predisposing syndrome. Also called: Tumor predisposition; Hereditary Cancer Syndrome; Hereditary neoplastic syndrome; Neoplastic Syndromes, Hereditary. Identifiers: Orphanet 140162, MedGen C0027672, MeSH D009386, MONDO:0015356.

Submissions (2):

Ambry Genetics
Classification: Uncertain significance for Hereditary cancer-predisposing syndrome. Last evaluated: 2024-04-19. Review status: criteria provided, single submitter. Criteria: Ambry Variant Classification Scheme 2023. Collection method: clinical testing. Allele origin: germline.
Comment: The p.P288L variant (also known as c.863C>T), located in coding exon 8 of the FANCC gene, results from a C to T substitution at nucleotide position 863. The proline at codon 288 is replaced by leucine, an amino acid with similar properties. This amino acid position is conserved. In addition, the in silico prediction for this alteration is inconclusive. Based on the available evidence, the clinical significance of this variant remains unclear.

GeneDx
Classification: Uncertain significance. Last evaluated: 2023-11-16. Review status: criteria provided, single submitter. Criteria: GeneDx Variant Classification Process June 2021. Collection method: clinical testing. Allele origin: germline. Affected: yes.
Comment: Not observed at significant frequency in large population cohorts (gnomAD); In silico analysis supports that this missense variant has a deleterious effect on protein structure/function; Has not been previously published as pathogenic or benign to our knowledge; This variant is associated with the following publications: (PMID: Gordon2000[Book])